The following is an entry in ClinVar:

ClinVar aggregate classification (germline): Uncertain significance. Review status: criteria provided, multiple submitters, no conflicts (2 of 4 stars). 2 submissions from 2 submitters: Uncertain significance (2). Last evaluated 2026-01-25.

Conditions:
Cardiovascular phenotype. Identifiers: MedGen CN230736.
Hypertrophic cardiomyopathy. Also called: HYPERTROPHIC MYOCARDIOPATHY. Identifiers: Orphanet 217569, MedGen C0007194, MeSH D002312, MONDO:0005045, HP:0001639.

Submissions (2):

Labcorp Genetics (formerly Invitae), Labcorp
Classification: Uncertain significance for Hypertrophic cardiomyopathy. Last evaluated: 2026-01-25. Review status: criteria provided, single submitter. Criteria: Invitae Variant Classification Sherloc (09022015). Collection method: clinical testing. Allele origin: germline.
Comment: This sequence change replaces glycine, which is neutral and non-polar, with valine, which is neutral and non-polar, at codon 903 of the MYBPC3 protein (p.Gly903Val). This variant is not present in population databases (gnomAD no frequency). This variant has not been reported in the literature in individuals affected with MYBPC3-related conditions. ClinVar contains an entry for this variant (Variation ID: 1063052). An algorithm developed to predict the effect of missense changes on protein structure and function (PolyPhen-2) suggests that this variant is likely to be disruptive. In summary, the available evidence is currently insufficient to determine the role of this variant in disease. Therefore, it has been classified as a Variant of Uncertain Significance.

Ambry Genetics
Classification: Uncertain significance for Cardiovascular phenotype. Last evaluated: 2022-08-17. Review status: criteria provided, single submitter. Criteria: Ambry Variant Classification Scheme 2023. Collection method: clinical testing. Allele origin: germline.
Comment: The p.G903V variant (also known as c.2708G>T), located in coding exon 26 of the MYBPC3 gene, results from a G to T substitution at nucleotide position 2708. The glycine at codon 903 is replaced by valine, an amino acid with dissimilar properties. This amino acid position is conserved. In addition, this alteration is predicted to be deleterious by in silico analysis. Since supporting evidence is limited at this time, the clinical significance of this alteration remains unclear.

NM_000256.3(MYBPC3):c.2708G>T (p.Gly903Val)

Gene: MYBPC3 (myosin binding protein C3; minus strand). Cytogenetic location: 11p11.2.
Variant type: single nucleotide variant.
Coding change: c.2708G>T on transcript NM_000256.3 (MANE Select); coding-DNA position 2708, G replaced by T.
Protein change: p.Gly903Val; replaces glycine 903 with valine.
Molecular consequence: missense variant.
Genome position (GRCh38, 1-based): chr11:47,335,906, C>A on the plus strand (G>T on the coding strand, the complement: MYBPC3 is on the minus strand). VCF-style: chr11-47335906-C-A. GRCh37 (hg19) VCF-style: chr11-47357457-C-A.
Other names: short protein forms G903V.
Identifiers: ClinVar variation 1063052 (VCV001063052.11), dbSNP rs1007623141, ClinGen allele CA380317161.